The following is an entry in ClinVar:

NM_001768.7(CD8A):c.514+1G>A

Gene: CD8A (CD8 subunit alpha; minus strand). Cytogenetic location: 2p11.2.
Variant type: single nucleotide variant.
Coding change: c.514+1G>A on transcript NM_001768.7 (MANE Select); the canonical splice donor site of the intron after coding-DNA position 514, G replaced by A.
Molecular consequence: splice donor variant.
Genome position (GRCh38, 1-based): chr2:86,789,639, C>T on the plus strand (G>A on the coding strand, the complement: CD8A is on the minus strand). VCF-style: chr2-86789639-C-T. GRCh37 (hg19) VCF-style: chr2-87016762-C-T.
Other names: c.514+1G>A (NM_001145873.1, NM_001382698.1, NM_171827.4).
Identifiers: ClinVar variation 4712013 (VCV004712013.1).

ClinVar aggregate classification (germline): Uncertain significance (1 of 4 stars; one submission).

Conditions:
Susceptibility to respiratory infections associated with CD8alpha chain mutation (IMD116). Also called: Cd8 deficiency, familial; IMMUNODEFICIENCY 116. Identifiers: Orphanet 169085, MedGen C1837065, MONDO:0012161, OMIM 608957.

Submission:

Labcorp Genetics (formerly Invitae), Labcorp
Classification: Uncertain significance for Susceptibility to respiratory infections associated with CD8alpha chain mutation. Last evaluated: 2025-07-01. Review status: criteria provided, single submitter. Criteria: Invitae Variant Classification Sherloc (09022015). Collection method: clinical testing. Allele origin: germline.
Comment: This sequence change affects a donor splice site in intron 3 of the CD8A gene. It is expected to disrupt RNA splicing. Variants that disrupt the donor or acceptor splice site typically lead to a loss of protein function (PMID: 16199547), however the current clinical and genetic evidence is not sufficient to establish whether loss-of-function variants in CD8A cause disease. This variant is not present in population databases (gnomAD no frequency). This variant has not been reported in the literature in individuals affected with CD8A-related conditions. Algorithms developed to predict the effect of sequence changes on RNA splicing suggest that this variant may disrupt the consensus splice site. In summary, the available evidence is currently insufficient to determine the role of this variant in disease. Therefore, it has been classified as a Variant of Uncertain Significance.

Literature cited by the submitters: PubMed 16199547.